The following is an entry in ClinVar:

NM_015466.4(PTPN23):c.1603C>G (p.Gln535Glu)

Gene: PTPN23 (protein tyrosine phosphatase non-receptor type 23; plus strand). Cytogenetic location: 3p21.31.
Variant type: single nucleotide variant.
Coding change: c.1603C>G on transcript NM_015466.4 (MANE Select); coding-DNA position 1603, C replaced by G.
Protein change: p.Gln535Glu; replaces glutamine 535 with glutamic acid.
Molecular consequence: missense variant.
Genome position (GRCh38, 1-based): chr3:47,409,048, C>G. VCF-style: chr3-47409048-C-G. GRCh37 (hg19) VCF-style: chr3-47450538-C-G.
Other names: c.1225C>G, p.Gln409Glu (NM_001304482.2); short protein forms Q409E, Q535E.
Identifiers: ClinVar variation 1389114 (VCV001389114.6), dbSNP rs745341604, ClinGen allele CA352554383.

ClinVar aggregate classification (germline): Uncertain significance (1 of 4 stars; one submission).

Submission:

Labcorp Genetics (formerly Invitae), Labcorp
Classification: Uncertain significance. Last evaluated: 2025-08-21. Review status: criteria provided, single submitter. Criteria: Invitae Variant Classification Sherloc (09022015). Collection method: clinical testing. Allele origin: germline.
Comment: This sequence change replaces glutamine, which is neutral and polar, with glutamic acid, which is acidic and polar, at codon 535 of the PTPN23 protein (p.Gln535Glu). This variant is not present in population databases (gnomAD no frequency). This variant has not been reported in the literature in individuals affected with PTPN23-related conditions. ClinVar contains an entry for this variant (Variation ID: 1389114). Experimental studies and prediction algorithms are not available or were not evaluated, and the functional significance of this variant is currently unknown. In summary, the available evidence is currently insufficient to determine the role of this variant in disease. Therefore, it has been classified as a Variant of Uncertain Significance.